The following is an entry in ClinVar:

NM_015231.3(NUP160):c.3974A>G (p.Asp1325Gly)

Gene: NUP160 (nucleoporin 160; minus strand). Cytogenetic location: 11p11.2.
Variant type: single nucleotide variant.
Coding change: c.3974A>G on transcript NM_015231.3 (MANE Select); coding-DNA position 3974, A replaced by G.
Protein change: p.Asp1325Gly; replaces aspartic acid 1325 with glycine.
Molecular consequence: missense variant. On other transcripts: non-coding transcript variant (1).
Genome position (GRCh38, 1-based): chr11:47,783,113, T>C on the plus strand (A>G on the coding strand, the complement: NUP160 is on the minus strand). VCF-style: chr11-47783113-T-C. GRCh37 (hg19) VCF-style: chr11-47804665-T-C.
Other names: short protein forms D1325G.
Identifiers: ClinVar variation 1926747 (VCV001926747.5), dbSNP rs2097662442, ClinGen allele CA380366276.
Genomic context (GRCh38, chr11:47,783,113, plus strand): 5'-GACCATTTGTATATGCCTACCTCAATTCCGAAGTATTGATGTCCTTTTCCCAATACAGCA[T>C]CCACATATTCTGACACCAAATCCACAGCTTCTTCTAAAAGGTCATAGTTTAAGTATAAAC-3'
Protein context (NP_056046.2, residues 1315-1335): EAVDLVSEYV[Asp1325Gly]AVLGKGHQYF

ClinVar aggregate classification (germline): Uncertain significance (1 of 4 stars; one submission).

Allele frequency attached by ClinVar (database versions not stated): gnomAD exomes below 0.00001; TOPMed below 0.00001.
gnomAD v4.1: 1 of 1,614,034 alleles (0.000062%); highest among the groups gnomAD compares: Non-Finnish European, 0.000085%; no homozygotes.

Submission:

Labcorp Genetics (formerly Invitae), Labcorp
Classification: Uncertain significance. Last evaluated: 2022-06-13. Review status: criteria provided, single submitter. Criteria: Invitae Variant Classification Sherloc (09022015). Collection method: clinical testing. Allele origin: germline.
Comment: In summary, the available evidence is currently insufficient to determine the role of this variant in disease. Therefore, it has been classified as a Variant of Uncertain Significance. Algorithms developed to predict the effect of sequence changes on RNA splicing suggest that this variant may disrupt the consensus splice site. Algorithms developed to predict the effect of missense changes on protein structure and function are either unavailable or do not agree on the potential impact of this missense change (SIFT: "Not Available"; PolyPhen-2: "Probably Damaging"; Align-GVGD: "Not Available"). This variant has not been reported in the literature in individuals affected with NUP160-related conditions. This variant is not present in population databases (gnomAD no frequency). This sequence change replaces aspartic acid, which is acidic and polar, with glycine, which is neutral and non-polar, at codon 1359 of the NUP160 protein (p.Asp1359Gly).